The following is an entry in ClinVar:

NM_080473.5(GATA5):c.160C>T (p.Gln54Ter)

Gene: GATA5 (GATA binding protein 5; minus strand). Cytogenetic location: 20q13.33.
Variant type: single nucleotide variant.
Coding change: c.160C>T on transcript NM_080473.5 (MANE Select); coding-DNA position 160, C replaced by T.
Protein change: p.Gln54Ter; replaces glutamine 54 with a stop codon.
Molecular consequence: nonsense.
Genome position (GRCh38, 1-based): chr20:62,475,362, G>A on the plus strand (C>T on the coding strand, the complement: GATA5 is on the minus strand). VCF-style: chr20-62475362-G-A. GRCh37 (hg19) VCF-style: chr20-61050418-G-A.
Other names: short protein forms Q54*.
Identifiers: ClinVar variation 3667093 (VCV003667093.2).

ClinVar aggregate classification (germline): Uncertain significance (1 of 4 stars; one submission).

gnomAD v4.1: 1 of 1,265,620 alleles (0.000079%); highest among the groups gnomAD compares: Non-Finnish European, 0.0001%; no homozygotes.

Submission:

Labcorp Genetics (formerly Invitae), Labcorp
Classification: Uncertain significance. Last evaluated: 2024-04-12. Review status: criteria provided, single submitter. Criteria: Invitae Variant Classification Sherloc (09022015). Collection method: clinical testing. Allele origin: germline.
Comment: This sequence change creates a premature translational stop signal (p.Gln54*) in the GATA5 gene. It is expected to result in an absent or disrupted protein product. However, the current clinical and genetic evidence is not sufficient to establish whether loss-of-function variants in GATA5 cause disease. This variant is not present in population databases (gnomAD no frequency). This variant has not been reported in the literature in individuals affected with GATA5-related conditions. In summary, the available evidence is currently insufficient to determine the role of this variant in disease. Therefore, it has been classified as a Variant of Uncertain Significance.